The following is an entry in ClinVar:

NM_004085.4(TIMM8A):c.19TCC[1] (p.Ser8del)

Gene: TIMM8A (translocase of inner mitochondrial membrane 8A; minus strand). Cytogenetic location: Xq22.1.
Variant type: Microsatellite.
Coding change: c.19TCC[1] on transcript NM_004085.4 (MANE Select); one copy of the 3-base unit TCC starting at c.19; the reference has two copies in a row; one copy, 3 bases deleted.
Protein change: p.Ser8del; deletes serine 8.
Molecular consequence: inframe deletion.
Genome position (GRCh38, 1-based): chrX:101,348,641-101,348,643, GGA deleted on the plus strand (TCC on the coding strand, the reverse complement: TIMM8A is on the minus strand); deleting any 3 consecutive bases within chrX:101,348,641-101,348,646 gives the same sequence; the position shown is the placement nearest the transcript's 3' end. VCF-style (leftmost placement, unchanged base first): chrX-101348640-CGGA-C. GRCh37 (hg19) VCF-style: chrX-100603628-CGGA-C.
Other names: c.19TCC[1], p.Ser8del (NM_001145951.2); short protein forms S8del.
Identifiers: ClinVar variation 3026310 (VCV003026310.22), dbSNP rs2520487435, ClinGen allele CA2579663775.

ClinVar aggregate classification (germline): Uncertain significance (1 of 4 stars; one submission).

Submission:

CeGaT Center for Human Genetics Tuebingen
Classification: Uncertain significance. Last evaluated: 2024-01-01. Review status: criteria provided, single submitter. Criteria: CeGaT Center For Human Genetics Tuebingen Variant Classification Criteria Version 2. Collection method: clinical testing. Allele origin: germline. Affected: yes. Observed: 1 variant allele.
Comment: TIMM8A: PM2